The following is an entry in ClinVar:

NM_000093.5(COL5A1):c.2799+4T>C

Gene: COL5A1 (collagen type V alpha 1 chain; plus strand). Cytogenetic location: 9q34.3.
Variant type: single nucleotide variant.
Coding change: c.2799+4T>C on transcript NM_000093.5 (MANE Select); 4 bases into the intron after coding-DNA position 2799, T replaced by C.
Molecular consequence: intron variant.
Genome position (GRCh38, 1-based): chr9:134,795,319, T>C. VCF-style: chr9-134795319-T-C. GRCh37 (hg19) VCF-style: chr9-137687165-T-C.
Other names: p.?; c.2799+4T>C (NM_001278074.1).
Identifiers: ClinVar variation 136871 (VCV000136871.30), dbSNP rs75815945, ClinGen allele CA290243.

ClinVar aggregate classification (germline): Benign/Likely benign. Review status: criteria provided, multiple submitters, no conflicts (2 of 4 stars). 12 submissions from 11 submitters: Benign (10); Likely benign (2). Last evaluated 2026-09-21.

Conditions:
Ehlers-Danlos syndrome, classic type, 1 (EDSCL1). Also called: Ehlers-Danlos Syndrome, Classic Type, COL5A1-Related; EHLERS-DANLOS SYNDROME, GRAVIS TYPE; EHLERS-DANLOS SYNDROME, SEVERE CLASSIC TYPE; Ehlers-Danlos syndrome, type 1; EDS I. Identifiers: MedGen C0268335, MONDO:0019567, OMIM 130000.
Fibromuscular dysplasia, multifocal. Identifiers: MedGen C5543412, MONDO:0859151, OMIM 619329.
Ehlers-Danlos syndrome (EDS). Identifiers: Orphanet 98249, MedGen C0013720, MONDO:0020066.
Familial thoracic aortic aneurysm and aortic dissection (TAAD). Also called: Thoracic aortic aneurysms and dissections. Identifiers: Orphanet 91387, MedGen C4707243, MONDO:0019625.

Allele frequency attached by ClinVar (database versions not stated): gnomAD exomes 0.00326 and 0.00137; ExAC 0.00388; 1000 Genomes Project 0.01298; ESP Exome Variant Server 0.01299; TOPMed 0.01320; gnomAD 0.01194 and 0.01279; 1000 Genomes Project 30x 0.01343.
gnomAD v4.1: 3,926 of 1,613,030 alleles (0.24%); highest among the groups gnomAD compares: African/African-American, 4%; 80 homozygotes.

Submissions (12):

Molecular Diagnostic Laboratory for Inherited Cardiovascular Disease, Montreal Heart Institute
Classification: Likely benign. Last evaluated: 2026-09-21. Review status: criteria provided, single submitter. Criteria: ACMG Guidelines, 2015. Collection method: clinical testing. Allele origin: germline. Affected: no.
Comment: BS1;BP4

Labcorp Genetics (formerly Invitae), Labcorp
Classification: Benign for Ehlers-Danlos syndrome, classic type, 1. Last evaluated: 2026-02-04. Review status: criteria provided, single submitter. Criteria: Invitae Variant Classification Sherloc (09022015). Collection method: clinical testing. Allele origin: germline.

ARUP Laboratories, Molecular Genetics and Genomics, ARUP Laboratories
Classification: Benign. Last evaluated: 2025-07-14. Review status: criteria provided, single submitter. Criteria: ARUP Molecular Germline Variant Investigation Process 2024. Collection method: clinical testing. Allele origin: germline.

Women's Health and Genetics/Laboratory Corporation of America, LabCorp
Classification: Benign. Last evaluated: 2023-07-21. Review status: criteria provided, single submitter. Criteria: LabCorp Variant Classification Summary - May 2015. Collection method: clinical testing. Allele origin: germline.

Mayo Clinic Laboratories, Mayo Clinic
Classification: Benign. Last evaluated: 2023-07-06. Review status: criteria provided, single submitter. Criteria: ACMG Guidelines, 2015. Collection method: clinical testing. Allele origin: germline. Observed: 15 variant alleles.
Comment: BS1, BS2, BP4, BP7

Genome-Nilou Lab
Classification: Benign for Ehlers-Danlos syndrome, classic type, 1. Last evaluated: 2022-03-15. Review status: criteria provided, single submitter. Criteria: ACMG Guidelines, 2015. Collection method: clinical testing. Allele origin: germline. Affected: no.

Genome-Nilou Lab
Classification: Benign for Fibromuscular dysplasia, multifocal. Last evaluated: 2022-03-15. Review status: criteria provided, single submitter. Criteria: ACMG Guidelines, 2015. Collection method: clinical testing. Allele origin: germline. Affected: no.

Genome Diagnostics Laboratory, The Hospital for Sick Children
Classification: Benign for Ehlers-Danlos syndrome. Last evaluated: 2020-02-01. Review status: criteria provided, single submitter. Criteria: ACMG Guidelines, 2015. Collection method: clinical testing. Allele origin: germline.

Ambry Genetics
Classification: Benign for Familial thoracic aortic aneurysm and aortic dissection. Last evaluated: 2015-01-23. Review status: criteria provided, single submitter. Criteria: Ambry Variant Classification Scheme 2023. Collection method: clinical testing. Allele origin: germline.

GeneDx
Classification: Benign. Last evaluated: 2014-04-19. Review status: criteria provided, single submitter. Criteria: GeneDx Variant Classification (06012015). Collection method: clinical testing. Allele origin: germline. Affected: yes.
Comment: This variant is considered likely benign or benign based on one or more of the following criteria: it is a conservative change, it occurs at a poorly conserved position in the protein, it is predicted to be benign by multiple in silico algorithms, and/or has population frequency not consistent with disease.

Breakthrough Genomics
Classification: Likely benign. Review status: criteria provided, single submitter. Criteria: ACMG Guidelines, 2015. Collection method: not provided. Allele origin: germline. Inheritance: Autosomal dominant inheritance. Affected: yes.

PreventionGenetics, part of Exact Sciences
Classification: Benign. Review status: criteria provided, single submitter. Criteria: ACMG Guidelines, 2015. Collection method: clinical testing. Allele origin: germline.